The following is an entry in ClinVar:

ClinVar aggregate classification (germline): Uncertain significance (1 of 4 stars; one submission).

Conditions:
Tuberous sclerosis 2 (TSC2). Identifiers: Orphanet 805, MedGen C1860707, MONDO:0013199, OMIM 613254.

Submission:

Labcorp Genetics (formerly Invitae), Labcorp
Classification: Uncertain significance for Tuberous sclerosis 2. Last evaluated: 2021-12-09. Review status: criteria provided, single submitter. Criteria: Invitae Variant Classification Sherloc (09022015). Collection method: clinical testing. Allele origin: germline.
Comment: This variant is a copy number gain that occurs in a non-coding region of the TSC2 gene. It does not change the encoded amino acid sequence of the TSC2 protein. This variant has not been reported in the literature in individuals affected with TSC2-related conditions. Experimental studies and prediction algorithms are not available or were not evaluated, and the functional significance of this variant is currently unknown. In summary, the available evidence is currently insufficient to determine the role of this variant in disease. Therefore, it has been classified as a Variant of Uncertain Significance.

NC_000016.10:g.(?_2039914)_(2048065_?)dup

Genes: NTHL1 (nth like DNA glycosylase 1; minus strand), TSC2 (TSC complex subunit 2; plus strand). Cytogenetic location: 16p13.3.
Variant type: Duplication.
Identifiers: ClinVar variation 831805 (VCV000831805.2).